The following is an entry in ClinVar:

ClinVar aggregate classification (germline): Pathogenic (1 of 4 stars; one submission).

Conditions:
Combined oxidative phosphorylation defect type 17. Also called: Combined oxidative phosphorylation deficiency 17. Identifiers: Orphanet 369913, MedGen C3809526, MONDO:0014190, OMIM 615440.

Submission:

Labcorp Genetics (formerly Invitae), Labcorp
Classification: Pathogenic for Combined oxidative phosphorylation defect type 17. Last evaluated: 2024-08-06. Review status: criteria provided, single submitter. Criteria: Invitae Variant Classification Sherloc (09022015). Collection method: clinical testing. Allele origin: germline.
Comment: This sequence change creates a premature translational stop signal (p.Val234Profs*8) in the ELAC2 gene. It is expected to result in an absent or disrupted protein product. Loss-of-function variants in ELAC2 are known to be pathogenic (PMID: 27769300, 31045291). This variant is not present in population databases (gnomAD no frequency). This variant has not been reported in the literature in individuals affected with ELAC2-related conditions. For these reasons, this variant has been classified as Pathogenic.

Literature cited by the submitters: PubMed 27769300; PubMed 31045291.

NM_018127.7(ELAC2):c.700_713del (p.Val234fs)

Gene: ELAC2 (elaC ribonuclease Z 2; minus strand). Cytogenetic location: 17p12.
Variant type: Deletion.
Coding change: c.700_713del on transcript NM_018127.7 (MANE Select); coding-DNA positions 700 to 713, 14 bases deleted (GTCAGGGACTCTTC).
Protein change: p.Val234fs; shifts the reading frame from valine 234.
Molecular consequence: frameshift variant.
Genome position (GRCh38, 1-based): chr17:13,010,638-13,010,651, GAAGAGTCCCTGAC deleted on the plus strand (GTCAGGGACTCTTC on the coding strand, the reverse complement: ELAC2 is on the minus strand). VCF-style (leftmost placement, unchanged base first): chr17-13010637-GGAAGAGTCCCTGAC-G. GRCh37 (hg19) VCF-style: chr17-12913954-GGAAGAGTCCCTGAC-G.
Other names: c.580_593del, p.Val194fs (NM_001165962.2); c.700_713del, p.Val234fs (NM_173717.2); short protein forms V194fs, V234fs.
Identifiers: ClinVar variation 3690097 (VCV003690097.2).
Genomic context (GRCh38, chr17:13,010,637, plus strand): 5'-CCAGTCATGTACAGCCCTCCGGAAAGTCTTCCTTACCTTACAGATGAAAGCTACGACCAG[GGAAGAGTCCCTGAC>G]CCCTCTTCTCTGGCTAACACCTGAGGAAAAACACACTTGATTATCACAAGGTAAATGTGA-3'